The following is an entry in ClinVar:

NC_000001.10:g.(?_235616382)_(235643485_?)del

Gene: B3GALNT2 (beta-1,3-N-acetylgalactosaminyltransferase 2; minus strand). Cytogenetic location: 1q42.3.
Variant type: Deletion.
Identifiers: ClinVar variation 2427392 (VCV002427392.5).

ClinVar aggregate classification (germline): Pathogenic (1 of 4 stars; one submission).

Conditions:
Muscular dystrophy-dystroglycanopathy (congenital with brain and eye anomalies), type a, 11 (MDDGA11). Also called: WALKER-WARBURG SYNDROME OR MUSCLE-EYE-BRAIN DISEASE, B3GALNT2-RELATED; Congenital muscular dystrophy-dystroglycanopathy with brain and eye anomalies, type A11; Muscular dystrophy-dystroglycanopathy (congenital with brain and eye anomalies, type A, 11. Identifiers: Orphanet 588, Orphanet 899, MedGen C3554638, MONDO:0014071, OMIM 615181.

Submission:

Labcorp Genetics (formerly Invitae), Labcorp
Classification: Pathogenic for Muscular dystrophy-dystroglycanopathy (congenital with brain and eye anomalies), type a, 11. Last evaluated: 2022-09-09. Review status: criteria provided, single submitter. Criteria: Invitae Variant Classification Sherloc (09022015). Collection method: clinical testing. Allele origin: germline.
Comment: This variant is a gross deletion of the genomic region encompassing exon(s) 5-11 of the B3GALNT2 gene. This variant would be expected to be in-frame, preserving the integrity of the reading frame. For these reasons, this variant has been classified as Pathogenic. This variant disrupts a region of the B3GALNT2 protein in which other variant(s) (p.Asp327Asn) have been determined to be pathogenic (PMID: 24084573, 25326637, 29273094, 33290285). This suggests that this is a clinically significant region of the protein, and that variants that disrupt it are likely to be disease-causing. This variant has not been reported in the literature in individuals affected with B3GALNT2-related conditions.

Literature cited by the submitters: PubMed 24084573; PubMed 25326637; PubMed 29273094; PubMed 33290285.